The following is an entry in ClinVar:

NM_000531.6(OTC):c.480C>G (p.Ile160Met)

Gene: OTC (ornithine transcarbamylase; plus strand). Cytogenetic location: Xp11.4.
Variant type: single nucleotide variant.
Coding change: c.480C>G on transcript NM_000531.6 (MANE Select); coding-DNA position 480, C replaced by G.
Protein change: p.Ile160Met; replaces isoleucine 160 with methionine.
Molecular consequence: missense variant.
Genome position (GRCh38, 1-based): chrX:38,401,368, C>G. VCF-style: chrX-38401368-C-G. GRCh37 (hg19) VCF-style: chrX-38260621-C-G.
Other names: c.480C>G, p.Ile160Met (NM_001407092.1); short protein forms I160M.
Identifiers: ClinVar variation 2835027 (VCV002835027.3), dbSNP rs2147341370, ClinGen allele CA412723572.

ClinVar aggregate classification (germline): Likely pathogenic (1 of 4 stars; one submission).

Conditions:
Ornithine carbamoyltransferase deficiency (OTCD). Also called: ORNITHINE TRANSCARBAMYLASE DEFICIENCY, HYPERAMMONEMIA DUE TO; OTC DEFICIENCY; ORNITHINE TRANSCARBAMYLASE DEFICIENCY; Ornithine Carbamoyltransferase Deficiency Disease. Identifiers: Orphanet 664, MedGen C0268542, MONDO:0010703, OMIM 311250.

Submission:

Labcorp Genetics (formerly Invitae), Labcorp
Classification: Likely pathogenic for Ornithine carbamoyltransferase deficiency. Last evaluated: 2023-02-06. Review status: criteria provided, single submitter. Criteria: Invitae Variant Classification Sherloc (09022015). Collection method: clinical testing. Allele origin: germline.
Comment: In summary, the currently available evidence indicates that the variant is pathogenic, but additional data are needed to prove that conclusively. Therefore, this variant has been classified as Likely Pathogenic. This variant disrupts the p.Ile160 amino acid residue in OTC. Other variant(s) that disrupt this residue have been determined to be pathogenic (PMID: 11793483, 16786505, 28324312). This suggests that this residue is clinically significant, and that variants that disrupt this residue are likely to be disease-causing. Advanced modeling of protein sequence and biophysical properties (such as structural, functional, and spatial information, amino acid conservation, physicochemical variation, residue mobility, and thermodynamic stability) performed at Invitae indicates that this missense variant is expected to disrupt OTC protein function. This missense change has been observed in individual(s) with ornithine transcarbamylase (OTC) deficiency (Invitae). This variant is not present in population databases (gnomAD no frequency). This sequence change replaces isoleucine, which is neutral and non-polar, with methionine, which is neutral and non-polar, at codon 160 of the OTC protein (p.Ile160Met).

Literature cited by the submitters: PubMed 11793483; PubMed 16786505; PubMed 28324312.